The following is an entry in ClinVar:

NM_018136.5(ASPM):c.42C>A (p.Ser14Arg)

Gene: ASPM (assembly factor for spindle microtubules; minus strand). Cytogenetic location: 1q31.3.
Variant type: single nucleotide variant.
Coding change: c.42C>A on transcript NM_018136.5 (MANE Select); coding-DNA position 42, C replaced by A.
Protein change: p.Ser14Arg; replaces serine 14 with arginine.
Molecular consequence: missense variant.
Genome position (GRCh38, 1-based): chr1:197,146,396, G>T on the plus strand (C>A on the coding strand, the complement: ASPM is on the minus strand). VCF-style: chr1-197146396-G-T. GRCh37 (hg19) VCF-style: chr1-197115526-G-T.
Other names: c.42C>A, p.Ser14Arg (NM_001206846.2); short protein forms S14R.
Identifiers: ClinVar variation 1525939 (VCV001525939.6), dbSNP rs1658785754, ClinGen allele CA344022458.
Genomic context (GRCh38, chr1:197,146,396, plus strand): 5'-AGACGCCTCCTCCTCGGCCGCGGGGCCCCGCAGCCCCGCGGGCGGCCTCCGCTCGGTCGG[G>T]CTCACTTCCCAGCAGCCTCGCCCCACTCGCCGGTTCGCCATGGCAGATTCGAGACCCCTC-3'
Protein context (NP_060606.3, residues 4-24): RRVGRGCWEV[Ser14Arg]PTERRPPAGL

ClinVar aggregate classification (germline): Uncertain significance (1 of 4 stars; one submission).

Allele frequency attached by ClinVar (database versions not stated): TOPMed below 0.00001.

Submission:

Labcorp Genetics (formerly Invitae), Labcorp
Classification: Uncertain significance. Last evaluated: 2023-12-11. Review status: criteria provided, single submitter. Criteria: Invitae Variant Classification Sherloc (09022015). Collection method: clinical testing. Allele origin: germline.
Comment: This sequence change replaces serine, which is neutral and polar, with arginine, which is basic and polar, at codon 14 of the ASPM protein (p.Ser14Arg). This variant is not present in population databases (gnomAD no frequency). This variant has not been reported in the literature in individuals affected with ASPM-related conditions. ClinVar contains an entry for this variant (Variation ID: 1525939). Advanced modeling of protein sequence and biophysical properties (such as structural, functional, and spatial information, amino acid conservation, physicochemical variation, residue mobility, and thermodynamic stability) performed at Invitae indicates that this missense variant is not expected to disrupt ASPM protein function with a negative predictive value of 80%. In summary, the available evidence is currently insufficient to determine the role of this variant in disease. Therefore, it has been classified as a Variant of Uncertain Significance.